The following is an entry in ClinVar:

NM_001370259.2(MEN1):c.1561A>T (p.Thr521Ser)

Gene: MEN1 (menin 1; minus strand). Cytogenetic location: 11q13.1.
Variant type: single nucleotide variant.
Coding change: c.1561A>T on transcript NM_001370259.2 (MANE Select); coding-DNA position 1561, A replaced by T.
Protein change: p.Thr521Ser; replaces threonine 521 with serine.
Molecular consequence: missense variant.
Genome position (GRCh38, 1-based): chr11:64,804,606, T>A on the plus strand (A>T on the coding strand, the complement: MEN1 is on the minus strand). VCF-style: chr11-64804606-T-A. GRCh37 (hg19) VCF-style: chr11-64572078-T-A.
Other names: c.1576A>T, p.Thr526Ser (NM_000244.4, NM_130800.3, NM_130801.3 and 3 more transcripts); c.1687A>T, p.Thr563Ser (NM_001370251.2); c.1561A>T, p.Thr521Ser (NM_001370260.2, NM_001370261.2, NM_130799.3); c.1456A>T, p.Thr486Ser (NM_001370262.2, NM_001370263.2); short protein forms T526S, T521S, T563S, T486S.
Identifiers: ClinVar variation 570571 (VCV000570571.9), dbSNP rs1565636917, ClinGen allele CA381178478.
Genomic context (GRCh38, chr11:64,804,606, plus strand): 5'-TGGGTGCTGGCACCTGAGCCGTGCTGCCACCTTCAGGGCCTCGGGCTGTGCCAGCGACAG[T>A]CCCAGGAGGCTTCCGGGGGGGTCCTGACACTGCACCCTGGCCGGTGCCCAGGCCCTTGTC-3'
Protein context (NP_001357188.2, residues 511-531): VSGPPRKPPG[Thr521Ser]VAGTARGPEG

ClinVar aggregate classification (germline): Uncertain significance. Review status: criteria provided, multiple submitters, no conflicts (2 of 4 stars). 2 submissions from 2 submitters: Uncertain significance (2). Last evaluated 2026-02-23.

Conditions:
Multiple endocrine neoplasia, type 1 (MEN1). Also called: MEA I; MEN I; WERMER SYNDROME; Endocrine adenomatosis multiple; MEN 1. Identifiers: Orphanet 652, MedGen C0025267, MeSH D018761, MONDO:0007540, OMIM 131100.
Hereditary cancer-predisposing syndrome. Also called: Neoplastic Syndromes, Hereditary; Hereditary neoplastic syndrome; Tumor predisposition; Hereditary Cancer Syndrome. Identifiers: Orphanet 140162, MedGen C0027672, MeSH D009386, MONDO:0015356.

Submissions (2):

Ambry Genetics
Classification: Uncertain significance for Hereditary cancer-predisposing syndrome. Last evaluated: 2026-02-23. Review status: criteria provided, single submitter. Criteria: Ambry Variant Classification Scheme 2023. Collection method: clinical testing. Allele origin: germline.
Comment: The p.T521S variant (also known as c.1561A>T), located in coding exon 9 of the MEN1 gene, results from an A to T substitution at nucleotide position 1561. The threonine at codon 521 is replaced by serine, an amino acid with similar properties. This amino acid position is not well conserved in available vertebrate species. In addition, this alteration is predicted to be tolerated by in silico analysis. Based on the available evidence, the clinical significance of this variant remains unclear.

Labcorp Genetics (formerly Invitae), Labcorp
Classification: Uncertain significance for Multiple endocrine neoplasia, type 1. Last evaluated: 2023-09-04. Review status: criteria provided, single submitter. Criteria: Invitae Variant Classification Sherloc (09022015). Collection method: clinical testing. Allele origin: germline.
Comment: In summary, the available evidence is currently insufficient to determine the role of this variant in disease. Therefore, it has been classified as a Variant of Uncertain Significance. This sequence change replaces threonine, which is neutral and polar, with serine, which is neutral and polar, at codon 521 of the MEN1 protein (p.Thr521Ser). This variant is not present in population databases (gnomAD no frequency). This variant has not been reported in the literature in individuals affected with MEN1-related conditions. ClinVar contains an entry for this variant (Variation ID: 570571). Advanced modeling of protein sequence and biophysical properties (such as structural, functional, and spatial information, amino acid conservation, physicochemical variation, residue mobility, and thermodynamic stability) performed at Invitae indicates that this missense variant is not expected to disrupt MEN1 protein function.